The following is an entry in ClinVar:

NM_000455.5(STK11):c.894C>G (p.Phe298Leu)

Gene: STK11 (serine/threonine kinase 11; plus strand). Cytogenetic location: 19p13.3.
Variant type: single nucleotide variant.
Coding change: c.894C>G on transcript NM_000455.5 (MANE Select); coding-DNA position 894, C replaced by G.
Protein change: p.Phe298Leu; replaces phenylalanine 298 with leucine.
Molecular consequence: missense variant.
Genome position (GRCh38, 1-based): chr19:1,221,980, C>G. VCF-style: chr19-1221980-C-G. GRCh37 (hg19) VCF-style: chr19-1221979-C-G.
Other names: short protein forms F298L.
Identifiers: ClinVar variation 757224 (VCV000757224.18), dbSNP rs199681533, ClinGen allele CA402951255.

ClinVar aggregate classification (germline): Conflicting classifications of pathogenicity. Review status: criteria provided, conflicting classifications (1 of 4 stars). 5 submissions from 5 submitters: Uncertain significance (2); Likely benign (3). Last evaluated 2025-04-03.

Conditions:
Peutz-Jeghers syndrome (PJS). Also called: POLYPOSIS, HAMARTOMATOUS INTESTINAL; POLYPS-AND-SPOTS SYNDROME; Peutz-Jeghers polyposis; Periorificial lentiginosis syndrome. Identifiers: Orphanet 2869, MedGen C0031269, MeSH D010580, MONDO:0008280, OMIM 175200.
Hereditary cancer-predisposing syndrome. Also called: Tumor predisposition; Hereditary Cancer Syndrome; Neoplastic Syndromes, Hereditary; Hereditary neoplastic syndrome. Identifiers: Orphanet 140162, MedGen C0027672, MeSH D009386, MONDO:0015356.

Submissions (5):

Ambry Genetics
Classification: Likely benign for Hereditary cancer-predisposing syndrome. Last evaluated: 2025-04-03. Review status: criteria provided, single submitter. Criteria: Ambry Variant Classification Scheme 2023. Collection method: clinical testing. Allele origin: germline.

Myriad Genetics, Inc.
Classification: Likely benign for Peutz-Jeghers syndrome. Last evaluated: 2025-03-27. Review status: criteria provided, single submitter. Criteria: Myriad Autosomal Dominant, Autosomal Recessive and X-Linked Classification Criteria (2023). Collection method: clinical testing. Allele origin: unknown.
Comment: This variant is considered likely benign. Homozygosity has been confirmed in one or more individuals. As homozygosity for pathogenic variants in this gene is generally assumed to result in embryonic lethality, this variant is unlikely to be pathogenic.

Labcorp Genetics (formerly Invitae), Labcorp
Classification: Likely benign for Peutz-Jeghers syndrome. Last evaluated: 2023-11-20. Review status: criteria provided, single submitter. Criteria: Invitae Variant Classification Sherloc (09022015). Collection method: clinical testing. Allele origin: germline.

Genome-Nilou Lab
Classification: Uncertain significance for Peutz-Jeghers syndrome. Last evaluated: 2021-07-15. Review status: criteria provided, single submitter. Criteria: ACMG Guidelines, 2015. Collection method: clinical testing. Allele origin: germline. Affected: no.

Color Diagnostics, LLC DBA Color Health
Classification: Uncertain significance for Hereditary cancer-predisposing syndrome. Last evaluated: 2019-04-11. Review status: criteria provided, single submitter. Criteria: ACMG Guidelines, 2015. Collection method: clinical testing. Allele origin: germline.